The following is an entry in ClinVar:

NM_025132.4(WDR19):c.1607G>C (p.Ser536Thr)

Gene: WDR19 (WD repeat domain 19; plus strand). Cytogenetic location: 4p14.
Variant type: single nucleotide variant.
Coding change: c.1607G>C on transcript NM_025132.4 (MANE Select); coding-DNA position 1607, G replaced by C.
Protein change: p.Ser536Thr; replaces serine 536 with threonine.
Molecular consequence: missense variant.
Genome position (GRCh38, 1-based): chr4:39,225,011, G>C. VCF-style: chr4-39225011-G-C. GRCh37 (hg19) VCF-style: chr4-39226631-G-C.
Other names: c.1127G>C, p.Ser376Thr (NM_001317924.2); short protein forms S536T, S376T.
Identifiers: ClinVar variation 261859 (VCV000261859.33), dbSNP rs115348383, ClinGen allele CA2891890.

ClinVar aggregate classification (germline): Benign. Review status: criteria provided, multiple submitters, no conflicts (2 of 4 stars). 13 submissions from 9 submitters: Benign (12). 1 of the submissions does not count toward it. Last evaluated 2026-01-30.

Conditions:
Senior-Loken syndrome 8 (SLSN8). Identifiers: Orphanet 3156, MedGen C4225376, MONDO:0014579, OMIM 616307.
Asphyxiating thoracic dystrophy 5 (SRTD5). Also called: SHORT-RIB THORACIC DYSPLASIA 5 WITHOUT POLYDACTYLY; SHORT-RIB THORACIC DYSPLASIA 5 WITH OR WITHOUT POLYDACTYLY. Identifiers: Orphanet 474, MedGen C3280598, MONDO:0013717, OMIM 614376.
Connective tissue disorder. Also called: Connective tissue disease. Identifiers: MedGen C0009782, MONDO:0003900.
Nephronophthisis 13 (NPHP13). Identifiers: Orphanet 655, MedGen C3280612, MONDO:0013718, OMIM 614377.
Cranioectodermal dysplasia 4 (CED4). Identifiers: Orphanet 1515, MedGen C3280616, MONDO:0013719, OMIM 614378.

Allele frequency attached by ClinVar (database versions not stated): gnomAD exomes 0.00196; ExAC 0.00381; ESP Exome Variant Server 0.00817; 1000 Genomes Project 0.00819; gnomAD 0.00848 and 0.00917; 1000 Genomes Project 30x 0.00890; TOPMed 0.01000.
gnomAD v4.1: 2,400 of 1,565,234 alleles (0.15%); highest among the groups gnomAD compares: African/African-American, 2.9%; 38 homozygotes.

Submissions (13):

Labcorp Genetics (formerly Invitae), Labcorp
Classification: Benign for Senior-Loken syndrome 8; Asphyxiating thoracic dystrophy 5. Last evaluated: 2026-01-30. Review status: criteria provided, single submitter. Criteria: Invitae Variant Classification Sherloc (09022015). Collection method: clinical testing. Allele origin: germline.

Mayo Clinic Laboratories, Mayo Clinic
Classification: Benign. Last evaluated: 2024-09-27. Review status: criteria provided, single submitter. Criteria: ACMG Guidelines, 2015. Collection method: clinical testing. Allele origin: germline. Observed: 2 variant alleles.
Comment: BA1, BS2

Genome Diagnostics Laboratory, The Hospital for Sick Children
Classification: Benign for Connective tissue disorder. Last evaluated: 2022-05-13. Review status: criteria provided, single submitter. Criteria: ACMG Guidelines, 2015. Collection method: clinical testing. Allele origin: germline.

ARUP Laboratories, Molecular Genetics and Genomics, ARUP Laboratories
Classification: Benign. Last evaluated: 2022-04-28. Review status: criteria provided, single submitter. Criteria: ARUP Molecular Germline Variant Investigation Process 2021. Collection method: clinical testing. Allele origin: germline.

Genome-Nilou Lab
Classification: Benign for Cranioectodermal dysplasia 4. Last evaluated: 2021-12-05. Review status: criteria provided, single submitter. Criteria: ACMG Guidelines, 2015. Collection method: clinical testing. Allele origin: germline. Affected: no.

Genome-Nilou Lab
Classification: Benign for Nephronophthisis 13. Last evaluated: 2021-12-05. Review status: criteria provided, single submitter. Criteria: ACMG Guidelines, 2015. Collection method: clinical testing. Allele origin: germline. Affected: no.

Genome-Nilou Lab
Classification: Benign for Senior-Loken syndrome 8. Last evaluated: 2021-12-05. Review status: criteria provided, single submitter. Criteria: ACMG Guidelines, 2015. Collection method: clinical testing. Allele origin: germline. Affected: no.

Genome-Nilou Lab
Classification: Benign for Asphyxiating thoracic dystrophy 5. Last evaluated: 2021-12-05. Review status: criteria provided, single submitter. Criteria: ACMG Guidelines, 2015. Collection method: clinical testing. Allele origin: germline. Affected: no.

Illumina Laboratory Services, Illumina
Classification: Benign for Cranioectodermal dysplasia 4. Last evaluated: 2018-01-13. Review status: criteria provided, single submitter. Criteria: ICSL Variant Classification Criteria 13 December 2019. Collection method: clinical testing. Allele origin: germline.
Comment: This variant was observed in the ICSL laboratory as part of a predisposition screen in an ostensibly healthy population. It had not been previously curated by ICSL or reported in the Human Gene Mutation Database (HGMD: prior to June 1st, 2018), and was therefore a candidate for classification through an automated scoring system. Utilizing variant allele frequency, disease prevalence and penetrance estimates, and inheritance mode, an automated score was calculated to assess if this variant is too frequent to cause the disease. Based on the score and internal cut-off values, a variant classified as benign is not then subjected to further curation. The score for this variant resulted in a classification of benign for this disease.

Illumina Laboratory Services, Illumina
Classification: Benign for Asphyxiating thoracic dystrophy 5. Last evaluated: 2018-01-13. Review status: criteria provided, single submitter. Criteria: ICSL Variant Classification Criteria 13 December 2019. Collection method: clinical testing. Allele origin: germline.
Comment: the same text as in the submission from Illumina Laboratory Services, Illumina above.

Breakthrough Genomics
Classification: Benign. Review status: criteria provided, single submitter. Criteria: ACMG Guidelines, 2015. Collection method: not provided. Allele origin: germline. Inheritance: Autosomal recessive inheritance. Affected: yes.

PreventionGenetics, part of Exact Sciences
Classification: Benign. Review status: criteria provided, single submitter. Criteria: ACMG Guidelines, 2015. Collection method: clinical testing. Allele origin: germline.

Genetic Services Laboratory, University of Chicago
Classification: Benign. Last evaluated: 2022-08-16. Review status: no assertion criteria provided. Collection method: clinical testing. Allele origin: germline. Affected: no. Not counted in ClinVar's aggregate classification.